The following is an entry in ClinVar:

ClinVar aggregate classification (germline): Likely benign (1 of 4 stars; one submission).

Allele frequency attached by ClinVar (database versions not stated): gnomAD exomes below 0.00001.
gnomAD v4.1: 1 of 1,605,340 alleles (0.000062%); highest among the groups gnomAD compares: Middle Eastern, 0.017%; no homozygotes.

Submission:

GeneDx
Classification: Likely benign. Last evaluated: 2016-05-24. Review status: criteria provided, single submitter. Criteria: GeneDx Variant Classification (06012015). Collection method: clinical testing. Allele origin: germline. Affected: yes.
Comment: This variant is considered likely benign or benign based on one or more of the following criteria: it is a conservative change, it occurs at a poorly conserved position in the protein, it is predicted to be benign by multiple in silico algorithms, and/or has population frequency not consistent with disease.

NM_006415.4(SPTLC1):c.1081+10T>C

Gene: SPTLC1 (serine palmitoyltransferase long chain base subunit 1; minus strand). Cytogenetic location: 9q22.31.
Variant type: single nucleotide variant.
Coding change: c.1081+10T>C on transcript NM_006415.4 (MANE Select); 10 bases into the intron after coding-DNA position 1081, T replaced by C.
Molecular consequence: intron variant.
Genome position (GRCh38, 1-based): chr9:92,047,162, A>G on the plus strand (T>C on the coding strand, the complement: SPTLC1 is on the minus strand). VCF-style: chr9-92047162-A-G. GRCh37 (hg19) VCF-style: chr9-94809444-A-G.
Other names: c.1081+10T>C (LRG_272t1, NM_001281303.2); c.715+10T>C (NM_001368272.1); c.616+10T>C (NM_001368273.1).
Identifiers: ClinVar variation 386465 (VCV000386465.1), dbSNP rs1057522506, ClinGen allele CA16605879.
Genomic context (GRCh38, chr9:92,047,162, plus strand): 5'-AAGTAAATCAGTAACACAACTAACGTAACCTGAAATCTCTTTGATTCCTTGGGTTTTTAA[A>G]GGGTTATACCTGGATTCTCTTCCATGATGTTGAGGGCCTCAATTGCTGCAGCAGCTAACA-3'